The following is an entry in ClinVar:

NM_000088.4(COL1A1):c.977del (p.Gly326fs)

Gene: COL1A1 (collagen type I alpha 1 chain; minus strand). Cytogenetic location: 17q21.33.
Variant type: Deletion.
Coding change: c.977del on transcript NM_000088.4 (MANE Select); coding-DNA position 977, one base deleted (G; older notation c.977delG).
Protein change: p.Gly326fs; shifts the reading frame from glycine 326.
Molecular consequence: frameshift variant.
Genome position (GRCh38, 1-based): chr17:50,196,180, C deleted on the plus strand (G on the coding strand, the reverse complement: COL1A1 is on the minus strand); the first of 2 consecutive C bases (chr17:50,196,180-50,196,181); deleting either gives the same sequence. VCF-style (leftmost placement, unchanged base first): chr17-50196179-AC-A. GRCh37 (hg19) VCF-style: chr17-48273540-AC-A.
Other names: short protein forms G326fs.
Identifiers: ClinVar variation 2841965 (VCV002841965.3), dbSNP rs2144579919, ClinGen allele CA2739268235.
Genomic context (GRCh38, chr17:50,196,179, plus strand): 5'-CACTCCCAGGCCCTGAGGCCTACAGGCCACACTCACAGGGGGCCCGGCAGCACCAGTAGC[AC>A]CATCATTTCCACGAGCACCCTGCAGGAGAGAGGGGAAGCCCCGTTAAGTCCACTGAGCAC-3'

ClinVar aggregate classification (germline): Pathogenic (1 of 4 stars; one submission).

Conditions:
Osteogenesis imperfecta type I (OI1). Also called: Lobstein's Disease; Lobstein disease; Classic Non-deforming Osteogenesis Imperfecta with Blue Sclerae; OI, TYPE I; OSTEOGENESIS IMPERFECTA TARDA; OSTEOGENESIS IMPERFECTA WITH BLUE SCLERAE. Identifiers: Orphanet 216796, Orphanet 666, MedGen C0023931, MONDO:0008146, OMIM 166200. Disease mechanism: loss of function.

Submission:

Labcorp Genetics (formerly Invitae), Labcorp
Classification: Pathogenic for Osteogenesis imperfecta type I. Last evaluated: 2025-09-16. Review status: criteria provided, single submitter. Criteria: Invitae Variant Classification Sherloc (09022015). Collection method: clinical testing. Allele origin: germline.
Comment: This sequence change creates a premature translational stop signal (p.Gly326Valfs*215) in the COL1A1 gene. It is expected to result in an absent or disrupted protein product. Loss-of-function variants in COL1A1 are known to be pathogenic (PMID: 7942841, 9295084, 9443882). This variant is not present in population databases (gnomAD no frequency). This variant has not been reported in the literature in individuals affected with COL1A1-related conditions. ClinVar contains an entry for this variant (Variation ID: 2841965). For these reasons, this variant has been classified as Pathogenic.

Literature cited by the submitters: PubMed 7942841; PubMed 9295084; PubMed 9443882.